The following is an entry in ClinVar:

NM_001384474.1(LOXHD1):c.37A>G (p.Ile13Val)

Gene: LOXHD1 (lipoxygenase homology PLAT domains 1; minus strand). Cytogenetic location: 18q21.1.
Variant type: single nucleotide variant.
Coding change: c.37A>G on transcript NM_001384474.1 (MANE Select); coding-DNA position 37, A replaced by G.
Protein change: p.Ile13Val; replaces isoleucine 13 with valine.
Molecular consequence: missense variant.
Genome position (GRCh38, 1-based): chr18:46,656,997, T>C on the plus strand (A>G on the coding strand, the complement: LOXHD1 is on the minus strand). VCF-style: chr18-46656997-T-C. GRCh37 (hg19) VCF-style: chr18-44236960-T-C.
Other names: c.37A>G, p.Ile13Val (NM_144612.7); short protein forms I13V.
Identifiers: ClinVar variation 517216 (VCV000517216.6), dbSNP rs1384593055, ClinGen allele CA402374587.

ClinVar aggregate classification (germline): Uncertain significance. Review status: criteria provided, multiple submitters, no conflicts (2 of 4 stars). 2 submissions from 2 submitters: Uncertain significance (2). Last evaluated 2021-12-03.

Conditions:
Inborn genetic diseases. Identifiers: MedGen C0950123, MeSH D030342.

Allele frequency attached by ClinVar (database versions not stated): gnomAD 0.00001; gnomAD exomes 0.00001; TOPMed 0.00001.
gnomAD v4.1: 4 of 1,551,530 alleles (0.00026%); highest among the groups gnomAD compares: African/African-American, 0.0014%; no homozygotes.

Submissions (2):

Ambry Genetics
Classification: Uncertain significance for Inborn genetic diseases. Last evaluated: 2021-12-03. Review status: criteria provided, single submitter. Criteria: Ambry Variant Classification Scheme 2023. Collection method: clinical testing. Allele origin: germline.

Laboratory for Molecular Medicine, Mass General Brigham Personalized Medicine
Classification: Uncertain significance. Last evaluated: 2017-02-28. Review status: criteria provided, single submitter. Criteria: LMM Criteria. Collection method: clinical testing. Allele origin: germline. Observed: 1 variant allele.
Comment: The p.Ile13Val variant in LOXHD1 has not been previously reported in individuals with hearing loss or in large population studies. Computational prediction tool s and conservation analyses suggest that this variant may not impact the protein , though this information is not predictive enough to rule out pathogenicity. In summary, the clinical significance of the p.Ile13Val variant is uncertain.